The following is an entry in ClinVar:

NM_001004334.4(GPR179):c.2924C>A (p.Ala975Asp)

Gene: GPR179 (G protein-coupled receptor 179; minus strand). Cytogenetic location: 17q12.
Variant type: single nucleotide variant.
Coding change: c.2924C>A on transcript NM_001004334.4 (MANE Select); coding-DNA position 2924, C replaced by A.
Protein change: p.Ala975Asp; replaces alanine 975 with aspartic acid.
Molecular consequence: missense variant.
Genome position (GRCh38, 1-based): chr17:38,330,645, G>T on the plus strand (C>A on the coding strand, the complement: GPR179 is on the minus strand). VCF-style: chr17-38330645-G-T. GRCh37 (hg19) VCF-style: chr17-36486528-G-T.
Other names: short protein forms A975D.
Identifiers: ClinVar variation 323005 (VCV000323005.14), dbSNP rs111520301, ClinGen allele CA10649167.

ClinVar aggregate classification (germline): Benign. Review status: criteria provided, multiple submitters, no conflicts (2 of 4 stars). 3 submissions from 3 submitters: Benign (3). Last evaluated 2026-02-02.

Conditions:
Congenital stationary night blindness 1E. Also called: Night blindness, congenital stationary (complete), 1E, autosomal recessive. Identifiers: Orphanet 215, MedGen C3281215, MONDO:0013807, OMIM 614565.

Allele frequency attached by ClinVar (database versions not stated): ExAC 0.00336; ESP Exome Variant Server 0.00918; gnomAD 0.00973 and 0.01045; TOPMed 0.01079; 1000 Genomes Project 30x 0.01109; 1000 Genomes Project 0.01178.

Submissions (3):

Labcorp Genetics (formerly Invitae), Labcorp
Classification: Benign. Last evaluated: 2026-02-02. Review status: criteria provided, single submitter. Criteria: Invitae Variant Classification Sherloc (09022015). Collection method: clinical testing. Allele origin: germline.

Illumina Laboratory Services, Illumina
Classification: Benign for Congenital stationary night blindness 1E. Last evaluated: 2018-01-13. Review status: criteria provided, single submitter. Criteria: ICSL Variant Classification Criteria 13 December 2019. Collection method: clinical testing. Allele origin: germline.
Comment: This variant was observed in the ICSL laboratory as part of a predisposition screen in an ostensibly healthy population. It had not been previously curated by ICSL or reported in the Human Gene Mutation Database (HGMD: prior to June 1st, 2018), and was therefore a candidate for classification through an automated scoring system. Utilizing variant allele frequency, disease prevalence and penetrance estimates, and inheritance mode, an automated score was calculated to assess if this variant is too frequent to cause the disease. Based on the score and internal cut-off values, a variant classified as benign is not then subjected to further curation. The score for this variant resulted in a classification of benign for this disease.

Breakthrough Genomics
Classification: Benign. Review status: criteria provided, single submitter. Criteria: ACMG Guidelines, 2015. Collection method: not provided. Allele origin: germline. Inheritance: Autosomal recessive inheritance. Affected: yes.